The following is an entry in ClinVar:

NM_000093.5(COL5A1):c.5291T>A (p.Leu1764His)

Genes: COL5A1 (collagen type V alpha 1 chain; plus strand), LOC101448202 (uncharacterized LOC101448202; minus strand). Cytogenetic location: 9q34.3.
Variant type: single nucleotide variant.
Coding change: c.5291T>A on transcript NM_000093.5 (MANE Select); coding-DNA position 5291, T replaced by A.
Protein change: p.Leu1764His; replaces leucine 1764 with histidine.
Molecular consequence: missense variant.
Genome position (GRCh38, 1-based): chr9:134,835,125, T>A. VCF-style: chr9-134835125-T-A. GRCh37 (hg19) VCF-style: chr9-137726971-T-A.
Other names: c.5291T>A, p.Leu1764His (NM_001278074.1); short protein forms L1764H.
Identifiers: ClinVar variation 1371386 (VCV001371386.6), dbSNP rs2132925845, ClinGen allele CA375460740.

ClinVar aggregate classification (germline): Uncertain significance (1 of 4 stars; one submission).

Conditions:
Ehlers-Danlos syndrome, classic type, 1 (EDSCL1). Also called: EHLERS-DANLOS SYNDROME, GRAVIS TYPE; EHLERS-DANLOS SYNDROME, SEVERE CLASSIC TYPE; Ehlers-Danlos syndrome, type 1; EDS I; Ehlers-Danlos Syndrome, Classic Type, COL5A1-Related. Identifiers: MedGen C0268335, MONDO:0019567, OMIM 130000.

Submission:

Labcorp Genetics (formerly Invitae), Labcorp
Classification: Uncertain significance for Ehlers-Danlos syndrome, classic type, 1. Last evaluated: 2025-10-07. Review status: criteria provided, single submitter. Criteria: Invitae Variant Classification Sherloc (09022015). Collection method: clinical testing. Allele origin: germline.
Comment: This sequence change replaces leucine, which is neutral and non-polar, with histidine, which is basic and polar, at codon 1764 of the COL5A1 protein (p.Leu1764His). This variant is not present in population databases (gnomAD no frequency). This missense change has been observed in individual(s) with joint hypermobility (PMID: 37079061). ClinVar contains an entry for this variant (Variation ID: 1371386). Invitae Evidence Modeling of protein sequence and biophysical properties (such as structural, functional, and spatial information, amino acid conservation, physicochemical variation, residue mobility, and thermodynamic stability) has been performed for this missense variant. However, the output from this modeling did not meet the statistical confidence thresholds required to predict the impact of this variant on COL5A1 protein function. In summary, the available evidence is currently insufficient to determine the role of this variant in disease. Therefore, it has been classified as a Variant of Uncertain Significance.

Literature cited by the submitters: PubMed 37079061.